The following is an entry in ClinVar:

ClinVar aggregate classification (germline): Uncertain significance. Review status: criteria provided, multiple submitters, no conflicts (2 of 4 stars). 2 submissions from 2 submitters: Uncertain significance (2). Last evaluated 2024-10-13.

Conditions:
Hereditary cancer-predisposing syndrome. Also called: Hereditary neoplastic syndrome; Neoplastic Syndromes, Hereditary; Hereditary Cancer Syndrome; Tumor predisposition. Identifiers: Orphanet 140162, MedGen C0027672, MeSH D009386, MONDO:0015356.
Neuroblastoma, susceptibility to, 3. Also called: ALK-Related Neuroblastic Tumor Susceptibility. Identifiers: Orphanet 635, MedGen C2751681, MONDO:0013083, OMIM 613014.

gnomAD v4.1: 8 of 1,614,202 alleles (0.0005%); highest among the groups gnomAD compares: Non-Finnish European, 0.00068%; no homozygotes.

Submissions (2):

Ambry Genetics
Classification: Uncertain significance for Hereditary cancer-predisposing syndrome. Last evaluated: 2024-10-13. Review status: criteria provided, single submitter. Criteria: Ambry Variant Classification Scheme 2023. Collection method: clinical testing. Allele origin: germline.
Comment: The p.M997K variant (also known as c.2990T>A), located in coding exon 18 of the ALK gene, results from a T to A substitution at nucleotide position 2990. The methionine at codon 997 is replaced by lysine, an amino acid with similar properties. This amino acid position is conserved. In addition, this alteration is predicted to be tolerated by in silico analysis. Based on the available evidence, the clinical significance of this variant remains unclear.

Labcorp Genetics (formerly Invitae), Labcorp
Classification: Uncertain significance for Neuroblastoma, susceptibility to, 3. Last evaluated: 2023-10-04. Review status: criteria provided, single submitter. Criteria: Invitae Variant Classification Sherloc (09022015). Collection method: clinical testing. Allele origin: germline.
Comment: This sequence change replaces methionine, which is neutral and non-polar, with lysine, which is basic and polar, at codon 997 of the ALK protein (p.Met997Lys). This variant is not present in population databases (gnomAD no frequency). This variant has not been reported in the literature in individuals affected with ALK-related conditions. An algorithm developed to predict the effect of missense changes on protein structure and function (PolyPhen-2) suggests that this variant is likely to be tolerated. In summary, the available evidence is currently insufficient to determine the role of this variant in disease. Therefore, it has been classified as a Variant of Uncertain Significance.

NM_004304.5(ALK):c.2990T>A (p.Met997Lys)

Gene: ALK (ALK receptor tyrosine kinase; minus strand). Cytogenetic location: 2p23.2.
Variant type: single nucleotide variant.
Coding change: c.2990T>A on transcript NM_004304.5 (MANE Select); coding-DNA position 2990, T replaced by A.
Protein change: p.Met997Lys; replaces methionine 997 with lysine.
Molecular consequence: missense variant.
Genome position (GRCh38, 1-based): chr2:29,226,999, A>T on the plus strand (T>A on the coding strand, the complement: ALK is on the minus strand). VCF-style: chr2-29226999-A-T. GRCh37 (hg19) VCF-style: chr2-29449865-A-T.
Other names: c.2990T>A (NM_004304.4); short protein forms M997K.
Identifiers: ClinVar variation 2721444 (VCV002721444.4), dbSNP rs2148178511, ClinGen allele CA346467707.